The following is an entry in ClinVar:

ClinVar aggregate classification (germline): Likely benign (1 of 4 stars; one submission).

Allele frequency attached by ClinVar (database versions not stated): gnomAD exomes 0.00008; ExAC 0.00023; gnomAD 0.00073; TOPMed 0.00093; 1000 Genomes Project 0.00120; ESP Exome Variant Server 0.00123; 1000 Genomes Project 30x 0.00141.
gnomAD v4.1: 239 of 1,614,080 alleles (0.015%); highest among the groups gnomAD compares: African/African-American, 0.25%; no homozygotes.

Submission:

CeGaT Center for Human Genetics Tuebingen
Classification: Likely benign. Last evaluated: 2022-12-01. Review status: criteria provided, single submitter. Criteria: CeGaT Center For Human Genetics Tuebingen Variant Classification Criteria Version 2. Collection method: clinical testing. Allele origin: germline. Affected: yes. Observed: 1 variant allele.
Comment: UPF1: BP4, BP7, BS1

NM_002911.4(UPF1):c.1194C>T (p.Ser398=)

Gene: UPF1 (UPF1 RNA helicase and ATPase; plus strand). Cytogenetic location: 19p13.11.
Variant type: single nucleotide variant.
Coding change: c.1194C>T on transcript NM_002911.4 (MANE Select); coding-DNA position 1194, C replaced by T.
Protein change: p.Ser398=; no amino-acid change (serine 398 retained).
Molecular consequence: synonymous variant.
Genome position (GRCh38, 1-based): chr19:18,854,638, C>T. VCF-style: chr19-18854638-C-T. GRCh37 (hg19) VCF-style: chr19-18965447-C-T.
Other names: c.1227C>T, p.Ser409= (NM_001297549.2).
Identifiers: ClinVar variation 2649596 (VCV002649596.24), dbSNP rs144265702, ClinGen allele CA9317212.